The following is an entry in ClinVar:

ClinVar aggregate classification (germline): Likely benign. Review status: criteria provided, single submitter (1 of 4 stars). 2 submissions from 2 submitters: Likely benign (1). 1 of the submissions does not count toward it. Last evaluated 2018-02-07.

Conditions:
GK-related disorder. Also called: GK-related condition.

Allele frequency attached by ClinVar (database versions not stated): TOPMed 0.00009; gnomAD exomes 0.00010 and 0.00014; gnomAD 0.00011; ESP Exome Variant Server 0.00019; ExAC 0.00015.
gnomAD v4.1: 171 of 1,194,119 alleles (0.014%); highest among the groups gnomAD compares: Non-Finnish European, 0.017%; no homozygotes.

Submissions (2):

Labcorp Genetics (formerly Invitae), Labcorp
Classification: Likely benign. Last evaluated: 2018-02-07. Review status: criteria provided, single submitter. Criteria: Invitae Variant Classification Sherloc (09022015). Collection method: clinical testing. Allele origin: germline.

PreventionGenetics, part of Exact Sciences
Classification: Likely benign for GK-related condition. Last evaluated: 2019-03-02. Review status: no assertion criteria provided. Collection method: clinical testing. Allele origin: germline. Not counted in ClinVar's aggregate classification.
Comment: This variant is classified as likely benign based on ACMG/AMP sequence variant interpretation guidelines (Richards et al. 2015 PMID: 25741868, with internal and published modifications).

NM_001205019.2(GK):c.78+9G>A

Gene: GK (glycerol kinase; plus strand). Cytogenetic location: Xp21.2.
Variant type: single nucleotide variant.
Coding change: c.78+9G>A on transcript NM_001205019.2 (MANE Select); 9 bases into the intron after coding-DNA position 78, G replaced by A.
Molecular consequence: intron variant.
Genome position (GRCh38, 1-based): chrX:30,653,624, G>A. VCF-style: chrX-30653624-G-A. GRCh37 (hg19) VCF-style: chrX-30671741-G-A.
Other names: c.78+9G>A (NM_203391.4, NM_001128127.3, NM_000167.6 and 1 more transcripts).
Identifiers: ClinVar variation 730465 (VCV000730465.5), dbSNP rs373147022, ClinGen allele CA10376576.